The following is an entry in ClinVar:

ClinVar aggregate classification (germline): Uncertain significance (1 of 4 stars; one submission).

Conditions:
Familial adenomatous polyposis 1 (FAP1). Also called: FAMILIAL ADENOMATOUS POLYPOSIS 1, ATTENUATED; POLYPOSIS, ADENOMATOUS INTESTINAL. Identifiers: MedGen C2713442, MONDO:0021056, OMIM 175100. Disease mechanism: loss of function.

Allele frequency attached by ClinVar (database versions not stated): gnomAD exomes below 0.00001.

Submission:

Labcorp Genetics (formerly Invitae), Labcorp
Classification: Uncertain significance for Familial adenomatous polyposis 1. Last evaluated: 2024-06-09. Review status: criteria provided, single submitter. Criteria: Invitae Variant Classification Sherloc (09022015). Collection method: clinical testing. Allele origin: germline.
Comment: This variant occurs in a non-coding region of the APC gene. It does not change the encoded amino acid sequence of the APC protein. This variant is not present in population databases (gnomAD no frequency). This variant has not been reported in the literature in individuals affected with APC-related conditions. ClinVar contains an entry for this variant (Variation ID: 657695). Experimental studies and prediction algorithms are not available or were not evaluated, and the functional significance of this variant is currently unknown. In summary, the available evidence is currently insufficient to determine the role of this variant in disease. Therefore, it has been classified as a Variant of Uncertain Significance.

NC_000005.10:g.112707427C>T

Gene: APC (APC regulator of Wnt signaling pathway; plus strand). Cytogenetic location: 5q22.2.
Variant type: single nucleotide variant.
Genome position: GRCh38 VCF-style: chr5-112707427-C-T. GRCh37 (hg19) VCF-style: chr5-112043124-C-T.
Identifiers: ClinVar variation 657695 (VCV000657695.11), dbSNP rs1580995582, ClinGen allele CA915943573.